The following is an entry in ClinVar:

NM_002016.2(FLG):c.6984G>A (p.Glu2328=)

Genes: CCDST (cervical cancer associated DHX9 suppressive transcript; plus strand), FLG (filaggrin; minus strand). Cytogenetic location: 1q21.3.
Variant type: single nucleotide variant.
Coding change: c.6984G>A on transcript NM_002016.2 (MANE Select); coding-DNA position 6984, G replaced by A.
Protein change: p.Glu2328=; no amino-acid change (glutamic acid 2328 retained).
Molecular consequence: synonymous variant.
Genome position (GRCh38, 1-based): chr1:152,307,902, C>T on the plus strand (G>A on the coding strand, the complement: FLG is on the minus strand). VCF-style: chr1-152307902-C-T. GRCh37 (hg19) VCF-style: chr1-152280378-C-T.
Identifiers: ClinVar variation 1711221 (VCV001711221.30), dbSNP rs546650994, ClinGen allele CA1104948.

ClinVar aggregate classification (germline): Likely benign (1 of 4 stars; one submission).

Allele frequency attached by ClinVar (database versions not stated): gnomAD exomes 0.00011; gnomAD 0.00018; TOPMed 0.00023; 1000 Genomes Project 0.00040; 1000 Genomes Project 30x 0.00062.
gnomAD v4.1: 182 of 1,613,222 alleles (0.011%); highest among the groups gnomAD compares: East Asian, 0.37%; no homozygotes.

Submission:

CeGaT Center for Human Genetics Tuebingen
Classification: Likely benign. Last evaluated: 2023-08-01. Review status: criteria provided, single submitter. Criteria: CeGaT Center For Human Genetics Tuebingen Variant Classification Criteria Version 2. Collection method: clinical testing. Allele origin: germline. Affected: yes. Observed: 2 variant alleles.
Comment: FLG: BP4, BP7